The following is an entry in ClinVar:

ClinVar aggregate classification (germline): Uncertain significance (1 of 4 stars; one submission).

Conditions:
Inborn genetic diseases. Identifiers: MedGen C0950123, MeSH D030342.

gnomAD v4.1: 1 of 1,441,790 alleles (0.000069%); highest among the groups gnomAD compares: Non-Finnish European, 0.000092%; no homozygotes.

Submission:

Ambry Genetics
Classification: Uncertain significance for Inborn genetic diseases. Last evaluated: 2026-02-02. Review status: criteria provided, single submitter. Criteria: Ambry Variant Classification Scheme 2023. Collection method: clinical testing. Allele origin: germline.
Comment: The c.539T>A (p.L180Q) alteration is located in exon 1 (coding exon 1) of the SMAD6 gene. This alteration results from a T to A substitution at nucleotide position 539, causing the leucine (L) at amino acid position 180 to be replaced by a glutamine (Q). This variant was not reported in population-based cohorts in the Genome Aggregation Database (gnomAD). This amino acid position is highly conserved in available vertebrate species. This alteration is predicted to be deleterious by in silico analysis. Based on insufficient or conflicting evidence, the clinical significance of this alteration remains unclear.

NM_005585.5(SMAD6):c.539T>A (p.Leu180Gln)

Gene: SMAD6 (SMAD family member 6; plus strand). Cytogenetic location: 15q22.31.
Variant type: single nucleotide variant.
Coding change: c.539T>A on transcript NM_005585.5 (MANE Select); coding-DNA position 539, T replaced by A.
Protein change: p.Leu180Gln; replaces leucine 180 with glutamine.
Molecular consequence: missense variant. On other transcripts: non-coding transcript variant (1).
Genome position (GRCh38, 1-based): chr15:66,703,797, T>A. VCF-style: chr15-66703797-T-A. GRCh37 (hg19) VCF-style: chr15-66996135-T-A.
Other names: short protein forms L180Q.
Identifiers: ClinVar variation 4839787 (VCV004839787.1).